The following is an entry in ClinVar:

ClinVar aggregate classification (germline): Uncertain significance (1 of 4 stars; one submission).

Conditions:
Charcot-Marie-Tooth disease axonal type 2O. Also called: Charcot-Marie-Tooth Neuropathy Type 2O; Charcot-Marie-Tooth disease, axonal, type 20; CHARCOT-MARIE-TOOTH NEUROPATHY, AXONAL, TYPE 2O; CHARCOT-MARIE-TOOTH DISEASE, AXONAL, AUTOSOMAL DOMINANT, TYPE 2O. Identifiers: Orphanet 284232, MedGen C3280220, MONDO:0013644, OMIM 614228.

Submission:

Labcorp Genetics (formerly Invitae), Labcorp
Classification: Uncertain significance for Charcot-Marie-Tooth disease axonal type 2O. Last evaluated: 2020-06-22. Review status: criteria provided, single submitter. Criteria: Invitae Variant Classification Sherloc (09022015). Collection method: clinical testing. Allele origin: germline.
Comment: In summary, the available evidence is currently insufficient to determine the role of this variant in disease. Therefore, it has been classified as a Variant of Uncertain Significance. Algorithms developed to predict the effect of missense changes on protein structure and function (SIFT, PolyPhen-2, Align-GVGD) all suggest that this variant is likely to be disruptive, but these predictions have not been confirmed by published functional studies and their clinical significance is uncertain. This variant has not been reported in the literature in individuals with DYNC1H1-related conditions. This variant is not present in population databases (ExAC no frequency). This sequence change replaces arginine with histidine at codon 2831 of the DYNC1H1 protein (p.Arg2831His). The arginine residue is highly conserved and there is a small physicochemical difference between arginine and histidine.

NM_001376.5(DYNC1H1):c.8492G>A (p.Arg2831His)

Gene: DYNC1H1 (dynein cytoplasmic 1 heavy chain 1; plus strand). Cytogenetic location: 14q32.31.
Variant type: single nucleotide variant.
Coding change: c.8492G>A on transcript NM_001376.5 (MANE Select); coding-DNA position 8492, G replaced by A.
Protein change: p.Arg2831His; replaces arginine 2831 with histidine.
Molecular consequence: missense variant.
Genome position (GRCh38, 1-based): chr14:102,020,041, G>A. VCF-style: chr14-102020041-G-A. GRCh37 (hg19) VCF-style: chr14-102486378-G-A.
Other names: short protein forms R2831H.
Identifiers: ClinVar variation 1057000 (VCV001057000.9), dbSNP rs2152584657, ClinGen allele CA391006938.